The following is an entry in ClinVar:

ClinVar aggregate classification (germline): Likely pathogenic (1 of 4 stars; one submission).

Conditions:
Hereditary spastic paraplegia 8 (SPG8). Also called: SPASTIC PARAPLEGIA 8, AUTOSOMAL DOMINANT. Identifiers: Orphanet 100989, MedGen C1863704, MONDO:0011339, OMIM 603563.

Allele frequency attached by ClinVar (database versions not stated): gnomAD exomes below 0.00001; ExAC 0.00001.

Submissions (2):

Human Genetics Bochum, Ruhr University Bochum
Classification: Likely pathogenic for Hereditary spastic paraplegia 8. Last evaluated: 2024-01-17. Review status: criteria provided, single submitter. Criteria: ACMG Guidelines, 2015. Collection method: clinical testing. Allele origin: germline. Affected: yes.
Comment: ACMG criteria used to clasify this variant: PVS1, PM2_SUP

Dr. Peter K. Rogan Lab, Western University
No classification provided (evidence only). Condition: Lung cancer. Review status: no classification provided. Collection method: in vitro. Allele origin: not applicable. Functional consequence: skipped exon, retained intron. Not counted in ClinVar's aggregate classification.

NM_014846.4(WASHC5):c.711+1G>A

Gene: WASHC5 (WASH complex subunit 5; minus strand). Cytogenetic location: 8q24.13.
Variant type: single nucleotide variant.
Coding change: c.711+1G>A on transcript NM_014846.4 (MANE Select); the canonical splice donor site of the intron after coding-DNA position 711, G replaced by A.
Molecular consequence: splice donor variant.
Genome position (GRCh38, 1-based): chr8:125,078,737, C>T on the plus strand (G>A on the coding strand, the complement: WASHC5 is on the minus strand). VCF-style: chr8-125078737-C-T. GRCh37 (hg19) VCF-style: chr8-126090979-C-T.
Other names: NC_000008.10:g.126090979C>T; c.267+1G>A (NM_001330609.2).
Identifiers: ClinVar variation 3027461 (VCV003027461.2), dbSNP rs767855117, ClinGen allele CA4874047.
Genomic context (GRCh38, chr8:125,078,737, plus strand): 5'-GAGGGAAGTGAAATCAGTCTGTTAAACTGTCTTAATAGGTCTTAATAGATTTAATTCCCA[C>T]CTGGTTGTAAATATCATCAGATCTCAGTCGACCAATGACCATACTGATGAAGGATTCGTT-3'